The following is an entry in ClinVar:

ClinVar aggregate classification (germline): Uncertain significance. Review status: criteria provided, multiple submitters, no conflicts (2 of 4 stars). 2 submissions from 2 submitters: Uncertain significance (2). Last evaluated 2024-01-16.

Conditions:
Retinoblastoma (RB1). Also called: RETINOBLASTOMA, SOMATIC. Identifiers: Orphanet 790, MedGen C0035335, MeSH D012175, MONDO:0008380, OMIM 180200, HP:0009919. Disease mechanism: loss of function. Inheritance: Both sporadic and heritable forms are tested..
Hereditary cancer-predisposing syndrome. Also called: Hereditary Cancer Syndrome; Neoplastic Syndromes, Hereditary; Hereditary neoplastic syndrome; Tumor predisposition. Identifiers: Orphanet 140162, MedGen C0027672, MeSH D009386, MONDO:0015356.

Submissions (2):

Ambry Genetics
Classification: Uncertain significance for Hereditary cancer-predisposing syndrome. Last evaluated: 2024-01-16. Review status: criteria provided, single submitter. Criteria: Ambry Variant Classification Scheme 2023. Collection method: clinical testing. Allele origin: germline.
Comment: The p.V833L variant (also known as c.2497G>C), located in coding exon 24 of the RB1 gene, results from a G to C substitution at nucleotide position 2497. The valine at codon 833 is replaced by leucine, an amino acid with highly similar properties. This amino acid position is highly conserved in available vertebrate species. In addition, the in silico prediction for this alteration is inconclusive. Since supporting evidence is limited at this time, the clinical significance of this alteration remains unclear.

Labcorp Genetics (formerly Invitae), Labcorp
Classification: Uncertain significance for Retinoblastoma. Last evaluated: 2023-07-12. Review status: criteria provided, single submitter. Criteria: Invitae Variant Classification Sherloc (09022015). Collection method: clinical testing. Allele origin: germline.
Comment: This variant has not been reported in the literature in individuals affected with RB1-related conditions. This variant is not present in population databases (gnomAD no frequency). This sequence change replaces valine, which is neutral and non-polar, with leucine, which is neutral and non-polar, at codon 833 of the RB1 protein (p.Val833Leu). Advanced modeling of protein sequence and biophysical properties (such as structural, functional, and spatial information, amino acid conservation, physicochemical variation, residue mobility, and thermodynamic stability) performed at Invitae indicates that this missense variant is not expected to disrupt RB1 protein function. In summary, the available evidence is currently insufficient to determine the role of this variant in disease. Therefore, it has been classified as a Variant of Uncertain Significance. Algorithms developed to predict the effect of sequence changes on RNA splicing suggest that this variant may create or strengthen a splice site.

NM_000321.3(RB1):c.2497G>C (p.Val833Leu)

Gene: RB1 (RB transcriptional corepressor 1; plus strand). Cytogenetic location: 13q14.2.
Variant type: single nucleotide variant.
Coding change: c.2497G>C on transcript NM_000321.3 (MANE Select); coding-DNA position 2497, G replaced by C.
Protein change: p.Val833Leu; replaces valine 833 with leucine.
Molecular consequence: missense variant.
Genome position (GRCh38, 1-based): chr13:48,473,367, G>C. VCF-style: chr13-48473367-G-C. GRCh37 (hg19) VCF-style: chr13-49047503-G-C.
Other names: c.2497G>C, p.Val833Leu (NM_001407165.1); short protein forms V833L.
Identifiers: ClinVar variation 2742427 (VCV002742427.4), dbSNP rs2138354621, ClinGen allele CA388168118.